The following is an entry in ClinVar:

ClinVar aggregate classification (germline): Uncertain significance (1 of 4 stars; one submission).

Conditions:
Cardiovascular phenotype. Identifiers: MedGen CN230736.

Submission:

Ambry Genetics
Classification: Uncertain significance for Cardiovascular phenotype. Last evaluated: 2026-07-10. Review status: criteria provided, single submitter. Criteria: Ambry Variant Classification Scheme 2023. Collection method: clinical testing. Allele origin: germline.
Comment: The p.G64E variant (also known as c.191G>A), located in coding exon 1 of the JUP gene, results from a G to A substitution at nucleotide position 191. The glycine at codon 64 is replaced by glutamic acid, an amino acid with similar properties. This amino acid position is conserved. In addition, this alteration is predicted to be tolerated by in silico analysis. Based on the available evidence, the clinical significance of this variant remains unclear.

NM_002230.4(JUP):c.191G>A (p.Gly64Glu)

Gene: JUP (junction plakoglobin; minus strand). Cytogenetic location: 17q21.2.
Variant type: single nucleotide variant.
Coding change: c.191G>A on transcript NM_002230.4 (MANE Select); coding-DNA position 191, G replaced by A.
Protein change: p.Gly64Glu; replaces glycine 64 with glutamic acid.
Molecular consequence: missense variant.
Genome position (GRCh38, 1-based): chr17:41,771,664, C>T on the plus strand (G>A on the coding strand, the complement: JUP is on the minus strand). VCF-style: chr17-41771664-C-T. GRCh37 (hg19) VCF-style: chr17-39927916-C-T.
Other names: c.191G>A, p.Gly64Glu (NM_001352773.2, NM_001352774.2, NM_001352775.2 and 3 more transcripts); short protein forms G64E.
Identifiers: ClinVar variation 5022916 (VCV005022916.1).
Genomic context (GRCh38, chr17:41,771,664, plus strand): 5'-GGCAGGTTTTCTGCCCCATGCAATAGTCCCCAGGGGTCCTGACCTTGGCTGGGGGGCACC[C>T]CCTGGGTGTAAGTGGTGGTTTTCTTGAGCGTGTACTGGCGCCCGCAGGCCTCATCCTCCT-3'
Protein context (NP_002221.1, residues 54-74): TLKKTTTYTQ[Gly64Glu]VPPSQGDLEY